The following is an entry in ClinVar:

NM_001854.4(COL11A1):c.29C>A (p.Thr10Lys)

Gene: COL11A1 (collagen type XI alpha 1 chain; minus strand). Cytogenetic location: 1p21.1.
Variant type: single nucleotide variant.
Coding change: c.29C>A on transcript NM_001854.4 (MANE Select); coding-DNA position 29, C replaced by A.
Protein change: p.Thr10Lys; replaces threonine 10 with lysine.
Molecular consequence: missense variant. On other transcripts: non-coding transcript variant (1).
Genome position (GRCh38, 1-based): chr1:103,108,150, G>T on the plus strand (C>A on the coding strand, the complement: COL11A1 is on the minus strand). VCF-style: chr1-103108150-G-T. GRCh37 (hg19) VCF-style: chr1-103573706-G-T.
Other names: c.29C>A, p.Thr10Lys (NM_001168249.1, NM_001190709.2, NM_080629.3 and 1 more transcripts); short protein forms T10K.
Identifiers: ClinVar variation 2049150 (VCV002049150.4), dbSNP rs1024598882, ClinGen allele CA341159830.

ClinVar aggregate classification (germline): Uncertain significance (1 of 4 stars; one submission).

gnomAD v4.1: 1 of 1,613,666 alleles (0.000062%); highest among the groups gnomAD compares: Non-Finnish European, 0.000085%; no homozygotes.

Submission:

Labcorp Genetics (formerly Invitae), Labcorp
Classification: Uncertain significance. Last evaluated: 2022-03-18. Review status: criteria provided, single submitter. Criteria: Invitae Variant Classification Sherloc (09022015). Collection method: clinical testing. Allele origin: germline.
Comment: This sequence change replaces threonine, which is neutral and polar, with lysine, which is basic and polar, at codon 10 of the COL11A1 protein (p.Thr10Lys). This variant is not present in population databases (gnomAD no frequency). This variant has not been reported in the literature in individuals affected with COL11A1-related conditions. Advanced modeling of protein sequence and biophysical properties (such as structural, functional, and spatial information, amino acid conservation, physicochemical variation, residue mobility, and thermodynamic stability) performed at Invitae indicates that this missense variant is not expected to disrupt COL11A1 protein function. In summary, the available evidence is currently insufficient to determine the role of this variant in disease. Therefore, it has been classified as a Variant of Uncertain Significance.